The following is an entry in ClinVar:

ClinVar aggregate classification (germline): Uncertain significance (1 of 4 stars; one submission).

Submission:

Labcorp Genetics (formerly Invitae), Labcorp
Classification: Uncertain significance. Last evaluated: 2023-09-01. Review status: criteria provided, single submitter. Criteria: Invitae Variant Classification Sherloc (09022015). Collection method: clinical testing. Allele origin: germline.
Comment: This sequence change replaces aspartic acid, which is acidic and polar, with alanine, which is neutral and non-polar, at codon 224 of the STAT4 protein (p.Asp224Ala). This variant is not present in population databases (gnomAD no frequency). This variant has not been reported in the literature in individuals affected with STAT4-related conditions. Advanced modeling of protein sequence and biophysical properties (such as structural, functional, and spatial information, amino acid conservation, physicochemical variation, residue mobility, and thermodynamic stability) performed at Invitae indicates that this missense variant is not expected to disrupt STAT4 protein function. In summary, the available evidence is currently insufficient to determine the role of this variant in disease. Therefore, it has been classified as a Variant of Uncertain Significance.

NM_003151.4(STAT4):c.671A>C (p.Asp224Ala)

Gene: STAT4 (signal transducer and activator of transcription 4; minus strand). Cytogenetic location: 2q32.2.
Variant type: single nucleotide variant.
Coding change: c.671A>C on transcript NM_003151.4 (MANE Select); coding-DNA position 671, A replaced by C.
Protein change: p.Asp224Ala; replaces aspartic acid 224 with alanine.
Molecular consequence: missense variant.
Genome position (GRCh38, 1-based): chr2:191,064,918, T>G on the plus strand (A>C on the coding strand, the complement: STAT4 is on the minus strand). VCF-style: chr2-191064918-T-G. GRCh37 (hg19) VCF-style: chr2-191929644-T-G.
Other names: c.671A>C, p.Asp224Ala (NM_001243835.2); short protein forms D224A.
Identifiers: ClinVar variation 2757256 (VCV002757256.3), dbSNP rs2470774442, ClinGen allele CA349917271.